The following is an entry in ClinVar:

ClinVar aggregate classification (germline): Likely benign. Review status: criteria provided, single submitter (1 of 4 stars). 2 submissions from 2 submitters: Likely benign (1). 1 of the submissions does not count toward it. Last evaluated 2026-06-01.

Conditions:
ZFHX3-related disorder. Also called: ZFHX3-related condition.

Submissions (2):

CeGaT Center for Human Genetics Tuebingen
Classification: Likely benign. Last evaluated: 2026-06-01. Review status: criteria provided, single submitter. Criteria: CeGaT Center For Human Genetics Tuebingen Variant Classification Criteria Version 2. Collection method: clinical testing. Allele origin: germline. Affected: yes. Observed: 6 variant alleles.
Comment: ZFHX3: BS1

PreventionGenetics, part of Exact Sciences
Classification: Benign for ZFHX3-related condition. Last evaluated: 2019-06-11. Review status: no assertion criteria provided. Collection method: clinical testing. Allele origin: germline. Not counted in ClinVar's aggregate classification.
Comment: This variant is classified as benign based on ACMG/AMP sequence variant interpretation guidelines (Richards et al. 2015 PMID: 25741868, with internal and published modifications).

NM_006885.4(ZFHX3):c.5194CAA[12] (p.Gln1741_Ala1742insGlnGln)

Genes: ZFHX3 (zinc finger homeobox 3; minus strand), ZFHX3-AS1 (ZFHX3 antisense RNA 1; plus strand). Cytogenetic location: 16q22.2.
Variant type: Microsatellite.
Coding change: c.5194CAA[12] on transcript NM_006885.4 (MANE Select); 12 copies in a row of the 3-base unit CAA starting at c.5194; the reference has ten copies in a row; two copies, 6 bases duplicated.
Protein change: p.Gln1741_Ala1742insGlnGln.
Molecular consequence: inframe insertion.
Genome position (GRCh38, 1-based): chr16:72,797,459-72,797,464, TTGTTG duplicated on the plus strand (CAACAA on the coding strand, the reverse complement: ZFHX3 is on the minus strand); duplicating any 6 consecutive bases within chr16:72,797,459-72,797,488 gives the same sequence; the position shown is the placement nearest the transcript's 3' end. VCF-style (leftmost placement, unchanged base first): chr16-72797458-C-CTTGTTG. GRCh37 (hg19) VCF-style: chr16-72831357-C-CTTGTTG.
Other names: c.5218_5223dup6 (NM_006885.3); c.2452CAA[12], p.Gln827_Ala828insGlnGln (NM_001164766.2); c.5194CAA[12], p.Gln1741_Ala1742insGlnGln (NM_001386735.1).
Identifiers: ClinVar variation 3055699 (VCV003055699.10), dbSNP rs34918837, ClinGen allele CA8163639.